The following is an entry in ClinVar:

NM_014319.5(LEMD3):c.2181G>A (p.Glu727=)

Gene: LEMD3 (LEM domain containing 3; plus strand). Cytogenetic location: 12q14.3.
Variant type: single nucleotide variant.
Coding change: c.2181G>A on transcript NM_014319.5 (MANE Select); coding-DNA position 2181, G replaced by A.
Protein change: p.Glu727=; no amino-acid change (glutamic acid 727 retained).
Molecular consequence: synonymous variant.
Genome position (GRCh38, 1-based): chr12:65,240,963, G>A. VCF-style: chr12-65240963-G-A. GRCh37 (hg19) VCF-style: chr12-65634743-G-A.
Other names: c.2178G>A, p.Glu726= (NM_001167614.2).
Identifiers: ClinVar variation 4811976 (VCV004811976.3).

ClinVar aggregate classification (germline): Likely benign. Review status: criteria provided, multiple submitters, no conflicts (2 of 4 stars). 2 submissions from 2 submitters: Likely benign (2). Last evaluated 2026-05-01.

Submissions (2):

CeGaT Center for Human Genetics Tuebingen
Classification: Likely benign. Last evaluated: 2026-05-01. Review status: criteria provided, single submitter. Criteria: CeGaT Center For Human Genetics Tuebingen Variant Classification Criteria Version 2. Collection method: clinical testing. Allele origin: germline. Affected: yes. Observed: 1 variant allele.
Comment: LEMD3: PM2:Supporting, BP4, BP7

Labcorp Genetics (formerly Invitae), Labcorp
Classification: Likely benign. Last evaluated: 2025-05-11. Review status: criteria provided, single submitter. Criteria: Invitae Variant Classification Sherloc (09022015). Collection method: clinical testing. Allele origin: germline.